The following is an entry in ClinVar:

NM_001369.3(DNAH5):c.1582C>T (p.Gln528Ter)

Gene: DNAH5 (dynein axonemal heavy chain 5; minus strand). Cytogenetic location: 5p15.2.
Variant type: single nucleotide variant.
Coding change: c.1582C>T on transcript NM_001369.3 (MANE Select); coding-DNA position 1582, C replaced by T.
Protein change: p.Gln528Ter; replaces glutamine 528 with a stop codon.
Molecular consequence: nonsense.
Genome position (GRCh38, 1-based): chr5:13,911,448, G>A on the plus strand (C>T on the coding strand, the complement: DNAH5 is on the minus strand). VCF-style: chr5-13911448-G-A. GRCh37 (hg19) VCF-style: chr5-13911557-G-A.
Other names: short protein forms Q528*.
Identifiers: ClinVar variation 4799317 (VCV004799317.1).

ClinVar aggregate classification (germline): Pathogenic (1 of 4 stars; one submission).

Conditions:
Primary ciliary dyskinesia. Also called: Ciliary dyskinesia. Identifiers: Orphanet 244, MedGen C0008780, MONDO:0016575, HP:0012265.

Submission:

Labcorp Genetics (formerly Invitae), Labcorp
Classification: Pathogenic for Primary ciliary dyskinesia. Last evaluated: 2025-03-16. Review status: criteria provided, single submitter. Criteria: Invitae Variant Classification Sherloc (09022015). Collection method: clinical testing. Allele origin: germline.
Comment: This sequence change creates a premature translational stop signal (p.Gln528*) in the DNAH5 gene. It is expected to result in an absent or disrupted protein product. Loss-of-function variants in DNAH5 are known to be pathogenic (PMID: 11788826, 16627867). This variant is not present in population databases (gnomAD no frequency). This variant has not been reported in the literature in individuals affected with DNAH5-related conditions. For these reasons, this variant has been classified as Pathogenic.

Literature cited by the submitters: PubMed 11788826; PubMed 16627867.